The following is an entry in ClinVar:

NM_001349253.2(SCN11A):c.4742C>T (p.Thr1581Ile)

Gene: SCN11A (sodium voltage-gated channel alpha subunit 11; minus strand). Cytogenetic location: 3p22.2.
Variant type: single nucleotide variant.
Coding change: c.4742C>T on transcript NM_001349253.2 (MANE Select); coding-DNA position 4742, C replaced by T.
Protein change: p.Thr1581Ile; replaces threonine 1581 with isoleucine.
Molecular consequence: missense variant.
Genome position (GRCh38, 1-based): chr3:38,847,328, G>A on the plus strand (C>T on the coding strand, the complement: SCN11A is on the minus strand). VCF-style: chr3-38847328-G-A. GRCh37 (hg19) VCF-style: chr3-38888819-G-A.
Other names: c.4742C>T, p.Thr1581Ile (NM_014139.3); short protein forms T1581I.
Identifiers: ClinVar variation 4794513 (VCV004794513.1).

ClinVar aggregate classification (germline): Uncertain significance (1 of 4 stars; one submission).

Conditions:
Hereditary sensory and autonomic neuropathy type 7. Also called: HSAN VII; Neuropathy, hereditary sensory and autonomic, type VII. Identifiers: Orphanet 391397, MedGen C3809882, MONDO:0014244, OMIM 615548.
Familial episodic pain syndrome with predominantly lower limb involvement. Also called: Episodic pain syndrome, familial, 3. Identifiers: Orphanet 391384, Orphanet 391392, MedGen C3809899, MONDO:0014247, OMIM 615552.

gnomAD v4.1: 1 of 1,614,220 alleles (0.000062%); highest among the groups gnomAD compares: Non-Finnish European, 0.000085%; no homozygotes.

Submission:

Labcorp Genetics (formerly Invitae), Labcorp
Classification: Uncertain significance for Familial episodic pain syndrome with predominantly lower limb involvement; Hereditary sensory and autonomic neuropathy type 7. Last evaluated: 2025-03-30. Review status: criteria provided, single submitter. Criteria: Invitae Variant Classification Sherloc (09022015). Collection method: clinical testing. Allele origin: germline.
Comment: This sequence change replaces threonine, which is neutral and polar, with isoleucine, which is neutral and non-polar, at codon 1581 of the SCN11A protein (p.Thr1581Ile). This variant is not present in population databases (gnomAD no frequency). This variant has not been reported in the literature in individuals affected with SCN11A-related conditions. Invitae Evidence Modeling of protein sequence and biophysical properties (such as structural, functional, and spatial information, amino acid conservation, physicochemical variation, residue mobility, and thermodynamic stability) indicates that this missense variant is not expected to disrupt SCN11A protein function with a negative predictive value of 80%. In summary, the available evidence is currently insufficient to determine the role of this variant in disease. Therefore, it has been classified as a Variant of Uncertain Significance.